The following is an entry in ClinVar:

ClinVar aggregate classification (germline): Uncertain significance (1 of 4 stars; one submission).

gnomAD v4.1: 1 of 1,612,560 alleles (0.000062%); no homozygotes.

Submission:

Ambry Genetics
Classification: Uncertain significance. Last evaluated: 2025-10-23. Review status: criteria provided, single submitter. Criteria: Ambry Variant Classification Scheme 2023. Collection method: clinical testing. Allele origin: germline.
Comment: The p.Y286C variant (also known as c.857A>G), located in coding exon 7 of the GEN1 gene, results from an A to G substitution at nucleotide position 857. The tyrosine at codon 286 is replaced by cysteine, an amino acid with highly dissimilar properties. This amino acid position is conserved. In addition, this alteration is predicted to be tolerated by in silico analysis. Based on the available evidence, the clinical significance of this variant remains unclear.

NM_001130009.3(GEN1):c.857A>G (p.Tyr286Cys)

Gene: GEN1 (GEN1 structure-specific endonuclease; plus strand). Cytogenetic location: 2p24.2.
Variant type: single nucleotide variant.
Coding change: c.857A>G on transcript NM_001130009.3 (MANE Select); coding-DNA position 857, A replaced by G.
Protein change: p.Tyr286Cys; replaces tyrosine 286 with cysteine.
Molecular consequence: missense variant.
Genome position (GRCh38, 1-based): chr2:17,772,688, A>G. VCF-style: chr2-17772688-A-G. GRCh37 (hg19) VCF-style: chr2-17953955-A-G.
Other names: c.857A>G, p.Tyr286Cys (NM_182625.5); short protein forms Y286C.
Identifiers: ClinVar variation 4671479 (VCV004671479.1).